The following is an entry in ClinVar:

ClinVar aggregate classification (germline): Uncertain significance (1 of 4 stars; one submission).

Conditions:
Gastrointestinal stromal tumor. Also called: Gastrointestinal stroma tumor; Gastrointestinal stromal tumor, somatic. Identifiers: Orphanet 44890, MedGen C0238198, MeSH D046152, MONDO:0011719, OMIM 606764, HP:0100723.

Submission:

Labcorp Genetics (formerly Invitae), Labcorp
Classification: Uncertain significance for Gastrointestinal stromal tumor. Last evaluated: 2019-05-03. Review status: criteria provided, single submitter. Criteria: Invitae Variant Classification Sherloc (09022015). Collection method: clinical testing. Allele origin: germline.
Comment: This sequence change falls in intron 3 of the KIT gene. It does not directly change the encoded amino acid sequence of the KIT protein, but it affects a nucleotide within the consensus splice site of the intron. This variant is not present in population databases (ExAC no frequency). This variant has not been reported in the literature in individuals with KIT-related disease. ClinVar contains an entry for this variant (Variation ID: 409775). Nucleotide substitutions within the consensus splice site are a relatively common cause of aberrant splicing (PMID: 17576681, 9536098). Algorithms developed to predict the effect of sequence changes on RNA splicing suggest that this variant is not likely to affect RNA splicing, but this prediction has not been confirmed by published transcriptional studies. In summary, the available evidence is currently insufficient to determine the role of this variant in disease. Therefore, it has been classified as a Variant of Uncertain Significance.

Literature cited by the submitters: PubMed 17576681; PubMed 9536098.

NM_000222.3(KIT):c.619+5T>C

Gene: KIT (KIT proto-oncogene, receptor tyrosine kinase; plus strand). Cytogenetic location: 4q12.
Variant type: single nucleotide variant.
Coding change: c.619+5T>C on transcript NM_000222.3 (MANE Select); 5 bases into the intron after coding-DNA position 619, T replaced by C.
Molecular consequence: intron variant.
Genome position (GRCh38, 1-based): chr4:54,698,570, T>C. VCF-style: chr4-54698570-T-C. GRCh37 (hg19) VCF-style: chr4-55564736-T-C.
Other names: c.619+5T>C (NM_001385284.1, NM_001385290.1, NM_001385288.1 and 4 more transcripts).
Identifiers: ClinVar variation 409775 (VCV000409775.11), dbSNP rs1060502565, ClinGen allele CA16611588.